The following is an entry in ClinVar:

NM_000093.5(COL5A1):c.1810G>A (p.Gly604Arg)

Gene: COL5A1 (collagen type V alpha 1 chain; plus strand). Cytogenetic location: 9q34.3.
Variant type: single nucleotide variant.
Coding change: c.1810G>A on transcript NM_000093.5 (MANE Select); coding-DNA position 1810, G replaced by A.
Protein change: p.Gly604Arg; replaces glycine 604 with arginine.
Molecular consequence: missense variant.
Genome position (GRCh38, 1-based): chr9:134,754,309, G>A. VCF-style: chr9-134754309-G-A. GRCh37 (hg19) VCF-style: chr9-137646155-G-A.
Other names: c.1810G>A, p.Gly604Arg (NM_001278074.1); short protein forms G604R.
Identifiers: ClinVar variation 2777324 (VCV002777324.3), dbSNP rs2490602271, ClinGen allele CA375445021.
Genomic context (GRCh38, chr9:134,754,309, plus strand): 5'-CCCTTTGTCTCTTACCCCTGGCAGGGTCCTCGAGGTGTGCAAGGCCCGCCTGGTCCGGCC[G>A]GGAAGCCCGGAAGACGGGTGAGTGGTGCGAGTGTGTGTGGTTTAGTGACAGCAGCTTGGG-3'
Protein context (NP_000084.3, residues 594-614): RGVQGPPGPA[Gly604Arg]KPGRRGRAGS

ClinVar aggregate classification (germline): Uncertain significance (1 of 4 stars; one submission).

Conditions:
Ehlers-Danlos syndrome, classic type, 1 (EDSCL1). Also called: EHLERS-DANLOS SYNDROME, GRAVIS TYPE; EHLERS-DANLOS SYNDROME, SEVERE CLASSIC TYPE; Ehlers-Danlos syndrome, type 1; Ehlers-Danlos Syndrome, Classic Type, COL5A1-Related; EDS I. Identifiers: MedGen C0268335, MONDO:0019567, OMIM 130000.

Submission:

Labcorp Genetics (formerly Invitae), Labcorp
Classification: Uncertain significance for Ehlers-Danlos syndrome, classic type, 1. Last evaluated: 2024-04-26. Review status: criteria provided, single submitter. Criteria: Invitae Variant Classification Sherloc (09022015). Collection method: clinical testing. Allele origin: germline.
Comment: This sequence change replaces glycine, which is neutral and non-polar, with arginine, which is basic and polar, at codon 604 of the COL5A1 protein (p.Gly604Arg). This variant is not present in population databases (gnomAD no frequency). This variant has not been reported in the literature in individuals affected with COL5A1-related conditions. Advanced modeling of protein sequence and biophysical properties (such as structural, functional, and spatial information, amino acid conservation, physicochemical variation, residue mobility, and thermodynamic stability) performed at Invitae indicates that this missense variant is expected to disrupt COL5A1 protein function with a positive predictive value of 95%. This variant disrupts the triple helix domain of COL5A1. Glycine residues within the Gly-Xaa-Yaa repeats of the triple helix domain are required for the structure and stability of fibrillar collagens (PMID: 7695699, 8218237, 19344236), and variants at these glycine residues in COL5A1 are more frequently observed in individuals with disease than in the general population (PMID: 22696272, 23587214). However, the clinical significance of this observation remains uncertain since only a limited number of affected individuals have been described to date. In summary, the available evidence is currently insufficient to determine the role of this variant in disease. Therefore, it has been classified as a Variant of Uncertain Significance.

Literature cited by the submitters: PubMed 7695699; PubMed 8218237; PubMed 19344236; PubMed 22696272; PubMed 23587214.